The following is an entry in ClinVar:

NM_031475.3(ESPN):c.2167G>A (p.Val723Met)

Gene: ESPN (espin; plus strand). Cytogenetic location: 1p36.31.
Variant type: single nucleotide variant.
Coding change: c.2167G>A on transcript NM_031475.3 (MANE Select); coding-DNA position 2167, G replaced by A.
Protein change: p.Val723Met; replaces valine 723 with methionine.
Molecular consequence: missense variant.
Genome position (GRCh38, 1-based): chr1:6,451,938, G>A. VCF-style: chr1-6451938-G-A. GRCh37 (hg19) VCF-style: chr1-6511998-G-A.
Other names: c.2077G>A, p.Val693Met (NM_001367473.1); c.2104G>A, p.Val702Met (NM_001367474.1); c.2167G>A (NM_031475.2); short protein forms V723M, V693M, V702M.
Identifiers: ClinVar variation 1394604 (VCV001394604.8), dbSNP rs370514263, ClinGen allele CA560408.

ClinVar aggregate classification (germline): Uncertain significance. Review status: criteria provided, multiple submitters, no conflicts (2 of 4 stars). 3 submissions from 3 submitters: Uncertain significance (3). Last evaluated 2025-06-09.

Conditions:
ESPN-related disorder. Also called: ESPN-related condition.
Inborn genetic diseases. Identifiers: MedGen C0950123, MeSH D030342.

Allele frequency attached by ClinVar (database versions not stated): 1000 Genomes Project 30x 0.00016; 1000 Genomes Project 0.00020.
gnomAD v4.1: 20 of 1,610,614 alleles (0.0012%); highest among the groups gnomAD compares: Middle Eastern, 0.017%; no homozygotes.

Submissions (3):

PreventionGenetics, part of Exact Sciences
Classification: Uncertain significance for ESPN-related condition. Last evaluated: 2025-06-09. Review status: criteria provided, single submitter. Criteria: ACMG Guidelines, 2015. Collection method: clinical testing. Allele origin: germline.
Comment: The ESPN c.2167G>A variant is predicted to result in the amino acid substitution p.Val723Met. To our knowledge, this variant has not been reported in the literature. This variant is reported in 0.022% of alleles in individuals of East Asian descent in gnomAD. At this time, the clinical significance of this variant is uncertain due to the absence of conclusive functional and genetic evidence.

Ambry Genetics
Classification: Uncertain significance for Inborn genetic diseases. Last evaluated: 2023-09-20. Review status: criteria provided, single submitter. Criteria: Ambry Variant Classification Scheme 2023. Collection method: clinical testing. Allele origin: germline.

Labcorp Genetics (formerly Invitae), Labcorp
Classification: Uncertain significance. Last evaluated: 2022-04-08. Review status: criteria provided, single submitter. Criteria: Invitae Variant Classification Sherloc (09022015). Collection method: clinical testing. Allele origin: germline.
Comment: In summary, the available evidence is currently insufficient to determine the role of this variant in disease. Therefore, it has been classified as a Variant of Uncertain Significance. Algorithms developed to predict the effect of missense changes on protein structure and function (SIFT, PolyPhen-2, Align-GVGD) all suggest that this variant is likely to be tolerated. This variant has not been reported in the literature in individuals affected with ESPN-related conditions. The frequency data for this variant in the population databases is considered unreliable, as metrics indicate poor data quality at this position in the gnomAD database. This sequence change replaces valine, which is neutral and non-polar, with methionine, which is neutral and non-polar, at codon 723 of the ESPN protein (p.Val723Met).